The following is an entry in ClinVar:

ClinVar aggregate classification (germline): Benign/Likely benign. Review status: criteria provided, multiple submitters, no conflicts (2 of 4 stars). 3 submissions from 3 submitters: Benign (2); Likely benign (1). Last evaluated 2018-06-09.

Conditions:
PHARC syndrome. Also called: Polyneuropathy-hearing loss-ataxia-retinitis pigmentosa-cataract syndrome. Identifiers: Orphanet 171848, MedGen C2675204, MONDO:0012984, OMIM 612674.

Allele frequency attached by ClinVar (database versions not stated): gnomAD exomes 0.00302; 1000 Genomes Project 0.00539; 1000 Genomes Project 30x 0.00625; gnomAD 0.00700 and 0.00734; TOPMed 0.00790.
gnomAD v4.1: 3,746 of 1,028,370 alleles (0.36%); highest among the groups gnomAD compares: African/African-American, 1.9%; 13 homozygotes.

Submissions (3):

Blueprint Genetics
Classification: Likely benign. Last evaluated: 2018-06-09. Review status: criteria provided, single submitter. Criteria: ACMG Guidelines, 2015. Collection method: clinical testing. Allele origin: germline.

Illumina Laboratory Services, Illumina
Classification: Benign for PHARC syndrome. Last evaluated: 2017-04-27. Review status: criteria provided, single submitter. Criteria: ICSL Variant Classification Criteria 13 December 2019. Collection method: clinical testing. Allele origin: germline.
Comment: This variant was observed as part of a predisposition screen in an ostensibly healthy population. A literature search was performed for the gene, cDNA change, and amino acid change (where applicable). No publications were found based on this search. Allele frequency data from public databases was too high to be consistent with this variant causing disease. Therefore, this variant is classified as benign.

Breakthrough Genomics
Classification: Benign. Review status: criteria provided, single submitter. Criteria: ACMG Guidelines, 2015. Collection method: not provided. Allele origin: germline. Inheritance: Autosomal recessive inheritance. Affected: yes.

NM_001042472.3(ABHD12):c.*541G>A

Gene: ABHD12 (abhydrolase domain containing 12, lysophospholipase; minus strand). Cytogenetic location: 20p11.21.
Variant type: single nucleotide variant.
Coding change: c.*541G>A on transcript NM_001042472.3 (MANE Select); 541 bases downstream of the stop codon, G replaced by A.
Molecular consequence: 3 prime UTR variant. On other transcripts: intron variant (1).
Genome position (GRCh38, 1-based): chr20:25,300,304, C>T on the plus strand (G>A on the coding strand, the complement: ABHD12 is on the minus strand). VCF-style: chr20-25300304-C-T. GRCh37 (hg19) VCF-style: chr20-25280940-C-T.
Other names: c.1157+1915G>A (NM_015600.5).
Identifiers: ClinVar variation 897013 (VCV000897013.6), dbSNP rs41304802, ClinGen allele CA313711356.